The following is an entry in ClinVar:

NM_004364.5(CEBPA):c.743G>A (p.Gly248Asp)

Gene: CEBPA (CCAAT enhancer binding protein alpha; minus strand). Cytogenetic location: 19q13.11.
Variant type: single nucleotide variant.
Coding change: c.743G>A on transcript NM_004364.5 (MANE Select); coding-DNA position 743, G replaced by A.
Protein change: p.Gly248Asp; replaces glycine 248 with aspartic acid.
Molecular consequence: missense variant.
Genome position (GRCh38, 1-based): chr19:33,301,672, C>T on the plus strand (G>A on the coding strand, the complement: CEBPA is on the minus strand). VCF-style: chr19-33301672-C-T. GRCh37 (hg19) VCF-style: chr19-33792578-C-T.
Other names: c.386G>A, p.Gly129Asp (NM_001285829.2); c.848G>A, p.Gly283Asp (NM_001287424.2); c.701G>A, p.Gly234Asp (NM_001287435.2); short protein forms G248D, G283D, G129D, G234D.
Identifiers: ClinVar variation 970104 (VCV000970104.8), dbSNP rs1967171226, ClinGen allele CA405274306.

ClinVar aggregate classification (germline): Uncertain significance (1 of 4 stars; one submission).

Conditions:
Acute myeloid leukemia (AML). Also called: Acute myeloid leukemia, adult; AML adult; Acute non-lymphocytic leukemia; Acute granulocytic leukemia; Leukemia, acute myelogenous, somatic; Leukemia, acute myeloid, somatic. Identifiers: Orphanet 519, MedGen C0023467, MeSH D015470, MONDO:0018874, OMIM 601626, HP:0004808. Disease mechanism: Constitutively activated FLT3.

Allele frequency attached by ClinVar (database versions not stated): gnomAD exomes below 0.00001.

Submission:

Labcorp Genetics (formerly Invitae), Labcorp
Classification: Uncertain significance for Acute myeloid leukemia. Last evaluated: 2022-09-23. Review status: criteria provided, single submitter. Criteria: Invitae Variant Classification Sherloc (09022015). Collection method: clinical testing. Allele origin: germline.
Comment: This sequence change replaces glycine, which is neutral and non-polar, with aspartic acid, which is acidic and polar, at codon 248 of the CEBPA protein (p.Gly248Asp). This variant is not present in population databases (gnomAD no frequency). This variant has not been reported in the literature in individuals affected with CEBPA-related conditions. ClinVar contains an entry for this variant (Variation ID: 970104). Advanced modeling of protein sequence and biophysical properties (such as structural, functional, and spatial information, amino acid conservation, physicochemical variation, residue mobility, and thermodynamic stability) performed at Invitae indicates that this missense variant is not expected to disrupt CEBPA protein function. In summary, the available evidence is currently insufficient to determine the role of this variant in disease. Therefore, it has been classified as a Variant of Uncertain Significance.